The following is an entry in ClinVar:

ClinVar aggregate classification (germline): Likely benign (1 of 4 stars; one submission).

gnomAD v4.1: 25 of 1,604,812 alleles (0.0016%); highest among the groups gnomAD compares: Non-Finnish European, 0.002%; no homozygotes.

Submission:

CeGaT Center for Human Genetics Tuebingen
Classification: Likely benign. Last evaluated: 2025-06-01. Review status: criteria provided, single submitter. Criteria: CeGaT Center For Human Genetics Tuebingen Variant Classification Criteria Version 2. Collection method: clinical testing. Allele origin: germline. Affected: yes. Observed: 1 variant allele.
Comment: CTU2: BP4, BP7

NM_001012759.3(CTU2):c.1077C>T (p.Ser359=)

Gene: CTU2 (cytosolic thiouridylase subunit 2; plus strand). Cytogenetic location: 16q24.3.
Variant type: single nucleotide variant.
Coding change: c.1077C>T on transcript NM_001012759.3 (MANE Select); coding-DNA position 1077, C replaced by T.
Protein change: p.Ser359=; no amino-acid change (serine 359 retained).
Molecular consequence: synonymous variant.
Genome position (GRCh38, 1-based): chr16:88,714,207, C>T. VCF-style: chr16-88714207-C-T. GRCh37 (hg19) VCF-style: chr16-88780615-C-T.
Other names: c.1077C>T, p.Ser359= (NM_001012762.3); c.1290C>T, p.Ser430= (NM_001318507.2); c.816C>T, p.Ser272= (NM_001318513.2).
Identifiers: ClinVar variation 4084852 (VCV004084852.8).